The following is an entry in ClinVar:

ClinVar aggregate classification (germline): Conflicting classifications of pathogenicity. Review status: criteria provided, conflicting classifications (1 of 4 stars). 2 submissions from 2 submitters: Likely pathogenic (1); Uncertain significance (1). Last evaluated 2023-07-12.

Submissions (2):

Mayo Clinic Laboratories, Mayo Clinic
Classification: Uncertain significance. Last evaluated: 2023-07-12. Review status: criteria provided, single submitter. Criteria: ACMG Guidelines, 2015. Collection method: clinical testing. Allele origin: germline. Observed: 1 variant allele.
Comment: PM2

CeGaT Center for Human Genetics Tuebingen
Classification: Likely pathogenic. Last evaluated: 2020-07-01. Review status: criteria provided, single submitter. Criteria: CeGaT Center For Human Genetics Tuebingen Variant Classification Criteria Version 2. Collection method: clinical testing. Allele origin: germline. Affected: yes. Observed: 1 variant allele.

NM_000064.4(C3):c.3303C>G (p.Cys1101Trp)

Gene: C3 (complement C3; minus strand). Cytogenetic location: 19p13.3.
Variant type: single nucleotide variant.
Coding change: c.3303C>G on transcript NM_000064.4 (MANE Select); coding-DNA position 3303, C replaced by G.
Protein change: p.Cys1101Trp; replaces cysteine 1101 with tryptophan.
Molecular consequence: missense variant.
Genome position (GRCh38, 1-based): chr19:6,693,011, G>C on the plus strand (C>G on the coding strand, the complement: C3 is on the minus strand). VCF-style: chr19-6693011-G-C. GRCh37 (hg19) VCF-style: chr19-6693022-G-C.
Other names: p.Cys1101Trp; short protein forms C1101W.
Identifiers: ClinVar variation 932689 (VCV000932689.40), dbSNP rs1236557685, ClinGen allele CA403625998.